The following is an entry in ClinVar:

ClinVar aggregate classification (germline): Likely benign. Review status: criteria provided, multiple submitters, no conflicts (2 of 4 stars). 4 submissions from 4 submitters: Likely benign (4). Last evaluated 2026-02-24.

Conditions:
MARS1-related disorder. Also called: MARS1-related condition.
Charcot-Marie-Tooth disease axonal type 2U. Also called: CHARCOT-MARIE-TOOTH NEUROPATHY, TYPE 2U; CHARCOT-MARIE-TOOTH DISEASE, AXONAL, AUTOSOMAL DOMINANT, TYPE 2U. Identifiers: Orphanet 397735, MedGen C4084821, MONDO:0014566, OMIM 616280.
Severe early-onset pulmonary alveolar proteinosis due to MARS deficiency. Also called: PULMONARY ALVEOLAR PROTEINOSIS, REUNION ISLAND; Interstitial lung and liver disease. Identifiers: Orphanet 440427, MedGen C4225400, MONDO:0014206, OMIM 615486.

Allele frequency attached by ClinVar (database versions not stated): gnomAD exomes 0.00003 and 0.00008; ExAC 0.00011; gnomAD 0.00025 and 0.00026; TOPMed 0.00032; 1000 Genomes Project 0.00040; 1000 Genomes Project 30x 0.00047; ESP Exome Variant Server 0.00054.
gnomAD v4.1: 81 of 1,614,152 alleles (0.005%); highest among the groups gnomAD compares: African/African-American, 0.097%; no homozygotes.

Submissions (4):

PreventionGenetics, part of Exact Sciences
Classification: Likely benign for MARS1-related condition. Last evaluated: 2026-02-24. Review status: criteria provided, single submitter. Criteria: ACMG Guidelines, 2015. Collection method: clinical testing. Allele origin: germline.
Comment: This variant is classified as likely benign based on ACMG/AMP sequence variant interpretation guidelines (Richards et al. 2015 PMID: 25741868, with internal and published modifications).

Labcorp Genetics (formerly Invitae), Labcorp
Classification: Likely benign for Charcot-Marie-Tooth disease axonal type 2U; Severe early-onset pulmonary alveolar proteinosis due to MARS deficiency. Last evaluated: 2025-10-01. Review status: criteria provided, single submitter. Criteria: Invitae Variant Classification Sherloc (09022015). Collection method: clinical testing. Allele origin: germline.

Ambry Genetics
Classification: Likely benign. Last evaluated: 2019-07-11. Review status: criteria provided, single submitter. Criteria: Ambry Variant Classification Scheme 2023. Collection method: clinical testing. Allele origin: germline.

GeneDx
Classification: Likely benign. Last evaluated: 2018-05-18. Review status: criteria provided, single submitter. Criteria: GeneDx Variant Classification Process June 2021. Collection method: clinical testing. Allele origin: germline. Affected: yes.

NM_004990.4(MARS1):c.369C>T (p.His123=)

Gene: MARS1 (methionyl-tRNA synthetase 1; plus strand). Cytogenetic location: 12q13.3.
Variant type: single nucleotide variant.
Coding change: c.369C>T on transcript NM_004990.4 (MANE Select); coding-DNA position 369, C replaced by T.
Protein change: p.His123=; no amino-acid change (histidine 123 retained).
Molecular consequence: synonymous variant.
Genome position (GRCh38, 1-based): chr12:57,489,513, C>T. VCF-style: chr12-57489513-C-T. GRCh37 (hg19) VCF-style: chr12-57883296-C-T.
Identifiers: ClinVar variation 382110 (VCV000382110.16), dbSNP rs145292793, ClinGen allele CA6650148.